The following is an entry in ClinVar:

NM_000038.6(APC):c.4037C>T (p.Ser1346Leu)

Gene: APC (APC regulator of Wnt signaling pathway; plus strand). Cytogenetic location: 5q22.2.
Variant type: single nucleotide variant.
Coding change: c.4037C>T on transcript NM_000038.6 (MANE Select); coding-DNA position 4037, C replaced by T.
Protein change: p.Ser1346Leu; replaces serine 1346 with leucine.
Molecular consequence: missense variant.
Genome position (GRCh38, 1-based): chr5:112,839,631, C>T. VCF-style: chr5-112839631-C-T. GRCh37 (hg19) VCF-style: chr5-112175328-C-T.
Other names: c.4037C>T, p.Ser1346Leu (NM_001127510.3, NM_001354895.2, NM_001407450.1); c.3983C>T, p.Ser1328Leu (NM_001127511.3); c.4091C>T, p.Ser1364Leu (NM_001354896.2, NM_001407447.1, NM_001407448.1 and 1 more transcripts); c.4067C>T, p.Ser1356Leu (NM_001354897.2); c.3962C>T, p.Ser1321Leu (NM_001354898.2); c.3953C>T, p.Ser1318Leu (NM_001354899.2); c.3914C>T, p.Ser1305Leu (NM_001354900.2); c.3860C>T, p.Ser1287Leu (NM_001354901.2, NM_001407453.1); and 11 more; short protein forms S1339L, S1364L, S1287L, S1318L, S1346L, S1374L, S1063L, S1220L.
Identifiers: ClinVar variation 1737249 (VCV001737249.8), dbSNP rs2149904709, ClinGen allele CA16030183.

ClinVar aggregate classification (germline): Uncertain significance. Review status: criteria provided, multiple submitters, no conflicts (2 of 4 stars). 2 submissions from 2 submitters: Uncertain significance (2). Last evaluated 2025-03-01.

Conditions:
Hereditary cancer-predisposing syndrome. Also called: Neoplastic Syndromes, Hereditary; Tumor predisposition; Hereditary Cancer Syndrome; Hereditary neoplastic syndrome. Identifiers: Orphanet 140162, MedGen C0027672, MeSH D009386, MONDO:0015356.
Familial adenomatous polyposis 1 (FAP1). Also called: FAMILIAL ADENOMATOUS POLYPOSIS 1, ATTENUATED; POLYPOSIS, ADENOMATOUS INTESTINAL. Identifiers: MedGen C2713442, MONDO:0021056, OMIM 175100. Disease mechanism: loss of function.

Allele frequency attached by ClinVar (database versions not stated): gnomAD exomes below 0.00001.
gnomAD v4.1: 1 of 1,614,156 alleles (0.000062%); highest among the groups gnomAD compares: Admixed American, 0.0017%; no homozygotes.

Submissions (2):

Labcorp Genetics (formerly Invitae), Labcorp
Classification: Uncertain significance for Familial adenomatous polyposis 1. Last evaluated: 2025-03-01. Review status: criteria provided, single submitter. Criteria: Invitae Variant Classification Sherloc (09022015). Collection method: clinical testing. Allele origin: germline.
Comment: This sequence change replaces serine, which is neutral and polar, with leucine, which is neutral and non-polar, at codon 1346 of the APC protein (p.Ser1346Leu). This variant is not present in population databases (gnomAD no frequency). This variant has not been reported in the literature in individuals affected with APC-related conditions. ClinVar contains an entry for this variant (Variation ID: 1737249). Invitae Evidence Modeling of protein sequence and biophysical properties (such as structural, functional, and spatial information, amino acid conservation, physicochemical variation, residue mobility, and thermodynamic stability) indicates that this missense variant is not expected to disrupt APC protein function with a negative predictive value of 95%. In summary, the available evidence is currently insufficient to determine the role of this variant in disease. Therefore, it has been classified as a Variant of Uncertain Significance.

Ambry Genetics
Classification: Uncertain significance for Hereditary cancer-predisposing syndrome. Last evaluated: 2024-07-18. Review status: criteria provided, single submitter. Criteria: Ambry Variant Classification Scheme 2023. Collection method: clinical testing. Allele origin: germline.
Comment: The p.S1346L variant (also known as c.4037C>T), located in coding exon 15 of the APC gene, results from a C to T substitution at nucleotide position 4037. The serine at codon 1346 is replaced by leucine, an amino acid with dissimilar properties. This amino acid position is not well conserved in available vertebrate species. In addition, in silico predictors for this gene do not accurately predict pathogenicity. Since supporting evidence is limited at this time, the clinical significance of this alteration remains unclear.